The following is an entry in ClinVar:

NM_032043.3(BRIP1):c.2492+2dup

Gene: BRIP1 (BRCA1 interacting DNA helicase 1; minus strand). Cytogenetic location: 17q23.2.
Variant type: Duplication.
Coding change: c.2492+2dup on transcript NM_032043.3 (MANE Select); the canonical splice donor site of the intron after coding-DNA position 2492, one base duplicated (T; older notation c.2492+2dupT).
Molecular consequence: splice donor variant.
Genome position (GRCh38, 1-based): chr17:61,715,949, A duplicated on the plus strand (T on the coding strand, the reverse complement: BRIP1 is on the minus strand). VCF-style (leftmost placement, unchanged base first): chr17-61715948-T-TA. GRCh37 (hg19) VCF-style: chr17-59793309-T-TA.
Other names: c.2492+2dupT (NM_032043.2, NM_032043.3).
Identifiers: ClinVar variation 128174 (VCV000128174.39), dbSNP rs587780240, ClinGen allele CA288559.

ClinVar aggregate classification (germline): Pathogenic/Likely pathogenic. Review status: criteria provided, multiple submitters, no conflicts (2 of 4 stars). 13 submissions from 13 submitters: Pathogenic (3); Likely pathogenic (8). 2 of the submissions do not count toward it. Last evaluated 2026-02-25.

Conditions:
Fanconi anemia complementation group J. Also called: BRIP1-Related Fanconi Anemia. Identifiers: Orphanet 84, MedGen C1836860, MONDO:0012187, OMIM 609054.
Familial cancer of breast. Also called: hereditary breast carcinoma; Hereditary breast cancer; BREAST CANCER, FAMILIAL. Identifiers: Orphanet 227535, MedGen C0346153, MONDO:0016419, OMIM 114480. Disease mechanism: loss of function.
Malignant tumor of breast. Also called: Malignant breast neoplasm; Cancer breast. Identifiers: MedGen C0006142, MONDO:0007254. Disease mechanism: loss of function.
Inherited ovarian cancer (without breast cancer).
Familial ovarian cancer. Identifiers: MedGen C5679802, MONDO:0016248.
BRIP1-related disorder. Also called: BRIP1-related condition; BRIP1-related disorders. Identifiers: MedGen CN239206.
Hereditary cancer-predisposing syndrome. Also called: Tumor predisposition; Hereditary neoplastic syndrome; Neoplastic Syndromes, Hereditary; Hereditary Cancer Syndrome. Identifiers: Orphanet 140162, MedGen C0027672, MeSH D009386, MONDO:0015356.

Allele frequency attached by ClinVar (database versions not stated): ExAC 0.00001; TOPMed 0.00001; gnomAD exomes 0.00002; gnomAD 0.00003.

Submissions 1 to 9 of 13:

Myriad Genetics, Inc.
Classification: Likely pathogenic for Familial ovarian cancer. Last evaluated: 2026-02-25. Review status: criteria provided, single submitter. Criteria: Myriad Autosomal Dominant, Autosomal Recessive and X-Linked Classification Criteria (2023). Collection method: clinical testing. Allele origin: unknown.
Comment: This variant is considered likely pathogenic. This variant has been reported in an individual with clinical features of gene-specific disease [PMID: 16116423]. mRNA analysis has demonstrated abnormal mRNA splicing occurs [PMID: 16116423, Myriad internal data].

Genetics Laboratory, Great Ormond Street Hospital NHS Foundation Trust, North Thames Genomic Laboratory Hub
Classification: Likely pathogenic for Inherited ovarian cancer (without breast cancer). Last evaluated: 2026-01-08. Review status: criteria provided, single submitter. Criteria: CanVIG Consensus Spec V3.0. Collection method: clinical testing. Allele origin: germline. Affected: yes.
Comment: PVS1_strong, PM3_moderate

Labcorp Genetics (formerly Invitae), Labcorp
Classification: Pathogenic for Familial cancer of breast; Fanconi anemia complementation group J. Last evaluated: 2025-11-12. Review status: criteria provided, single submitter. Criteria: Invitae Variant Classification Sherloc (09022015). Collection method: clinical testing. Allele origin: germline.
Comment: This sequence change falls in intron 17 of the BRIP1 gene. It does not directly change the encoded amino acid sequence of the BRIP1 protein. RNA analysis indicates that this variant induces altered splicing and may result in an absent or altered protein product. This variant is present in population databases (rs587780240, gnomAD 0.004%). This variant has been observed in individual(s) with ovarian cancer, breast cancer and Fanconi anemia (PMID: 16116423, 17033622, 30322717). In at least one individual the data is consistent with being in trans (on the opposite chromosome) from a pathogenic variant. ClinVar contains an entry for this variant (Variation ID: 128174). Variants that disrupt the consensus splice site are a relatively common cause of aberrant splicing (PMID: 17576681, 9536098). Studies have shown that this variant results in skipping of exon 17 and exons 17-18, and produces a non-functional protein and/or introduces a premature termination codon (PMID: 16116423; internal data). For these reasons, this variant has been classified as Pathogenic.

Ambry Genetics
Classification: Likely pathogenic for Hereditary cancer-predisposing syndrome. Last evaluated: 2025-10-29. Review status: criteria provided, single submitter. Criteria: Ambry Variant Classification Scheme 2023. Collection method: clinical testing. Allele origin: germline.
Comment: The c.2492+2dupT intronic variant, results from a duplication of one nucleotide two nucleotides after coding exon 16 of the BRIP1 gene. In one study, this variant was detected in conjunction with a BRIP1 nonsense mutation in an individual with Fanconi Anemia type J. Sequencing of cDNA from this individual showed three species of BRIP1 mRNA, two of which lacked either exon 17 or 18, both leading to a frameshift with a resultant truncated protein. Western blot of BRIP1 in this patient cell line did not detect full length protein indicating that the patient had two null alleles (Levitus M et al. Nat. Genet. 2005 Sep; 37(9):934-5). This variant was also identified in an individual diagnosed with ovarian cancer (Flaum N et al. Genet Med, 2022 Dec;24:2578-2586). In silico splice site analysis predicts that this alteration will weaken the native splice donor site. RNA studies have demonstrated this alteration results in abnormal splicing (Ambry internal data). Based on the majority of available evidence to date, this variant is likely to be pathogenic.

Color Diagnostics, LLC DBA Color Health
Classification: Likely pathogenic for Hereditary cancer-predisposing syndrome. Last evaluated: 2025-09-22. Review status: criteria provided, single submitter. Criteria: ACMG Guidelines, 2015. Collection method: clinical testing. Allele origin: germline.
Comment: This variant inserts one nucleotide at the +3 position of intron 17 of the BRIP1 gene. Splice site prediction tools predict that this variant may have a significant impact on RNA splicing. RNA studies have reported that this variant leads to the skipping of exon 17 or 18 in the RNA transcript (PMID: 16116423, 31642931). The aberrant transcripts are predicted to create a frameshift and premature translation stop signal and to result in an absent or non-functional protein product. This variant and another pathogenic BRIP1 variant have been reported in an individual affected with Fanconi anemia (PMID: 16116423). Cells derived from this individual showed no detectable BRIP1 protein expression. This variant has been reported in an individual affected with ovarian cancer (PMID: 30322717), epithelial ovarian cancer (PMID: 36169650), as well as in an individual affected with familial breast cancer without clear segregation of the variant with disease in the family (PMID: 17033622). This variant has been identified in 5/280456 chromosomes in the general population by the Genome Aggregation Database (gnomAD). Loss of BRIP1 function is a known mechanism of disease. Based on the available evidence, this variant is classified as Likely Pathogenic.

GeneDx
Classification: Likely pathogenic. Last evaluated: 2025-06-24. Review status: criteria provided, single submitter. Criteria: GeneDx Variant Classification Process June 2021. Collection method: clinical testing. Allele origin: germline. Affected: yes.
Comment: RNA studies demonstrate that this variant results in protein truncation or nonsense mediated decay in a gene for which loss-of-function is a known mechanism of disease (PMID: 16116423, 31642931); Observed in conjunction with another pathogenic BRIP1 variant in an individual with Fanconi anemia (PMID: 16116423); Not observed at significant frequency in large population cohorts (gnomAD); Observed in individuals with ovarian and/or breast cancer (PMID: 28888541, 17033622, 36169650, 36765687); This variant is associated with the following publications: (PMID: 19763819, 17033622, 26709662, 20346647, 26681312, 19339519, 15285897, 30322717, 28888541, 25583207, 32359370, 31341520, 36169650, 36765687, 16116423, 31642931)

Women's Health and Genetics/Laboratory Corporation of America, LabCorp
Classification: Likely pathogenic for Fanconi anemia complementation group J. Last evaluated: 2024-11-08. Review status: criteria provided, single submitter. Criteria: LabCorp Variant Classification Summary - May 2015. Collection method: clinical testing. Allele origin: germline.
Comment: Variant summary: BRIP1 c.2492+2dupT alters a conserved nucleotide located close to a canonical splice site and therefore could affect mRNA splicing, leading to a significantly altered protein sequence. Several computational tools predict a significant impact on normal splicing: Three predict the variant abolishes a 5' splicing donor site. At least one publication reports experimental evidence that this variant affects mRNA splicing. The variant allele was found at a frequency of 1.6e-05 in 249092 control chromosomes. c.2492+2dupT has been reported in the literature in a comppound heterozygous individual affected with Fanconi Anemia Complementation Group J or in a heterozygous individual with breast cancer (Levitus_2005, Seal_2006). These data indicate that the variant may be associated with disease. At least one publication reports experimental evidence evaluating an impact on gene expression has shown that this variant results in exon 17 or exon 18 skipping, causing a frameshift and likely nonsense-mediated decay ((Levitus_20052005). The following publications have been ascertained in the context of this evaluation (PMID: 16116423, 17033622). ClinVar contains an entry for this variant (Variation ID: 128174). Based on the evidence outlined above, the variant was classified as likely pathogenic.

Blueprint Genetics
Classification: Pathogenic for BRIP1-related disorders. Last evaluated: 2024-09-20. Review status: criteria provided, single submitter. Criteria: ACMG Guidelines, 2015. Collection method: clinical testing. Allele origin: germline. Affected: yes. Observed: 5 variant alleles.

Quest Diagnostics Nichols Institute San Juan Capistrano
Classification: Pathogenic. Last evaluated: 2023-09-06. Review status: criteria provided, single submitter. Criteria: Quest Diagnostics criteria. Collection method: clinical testing. Allele origin: unknown.
Comment: The BRIP1 c.2492+2dup variant disrupts a canonical splice-donor site and interferes with normal BRIP1 mRNA splicing. This variant has been reported in the published literature in individuals with ovarian cancer (PMID: 30322717 (2018)) and breast cancer (PMID: 17033622 (2006)). This variant has also been seen in combination with another pathogenic BRIP1 variant in an individual with autosomal recessive Fanconi anemia (PMID: 16116423 (2005)). Experimental studies report this variant results in the skipping of exon 17 or 18 (PMIDs: 31642931 (2019), 16116423 (2005)). The frequency of this variant in the general population, 0.000039 (5/128220 chromosomes (Genome Aggregation Database)), is consistent with pathogenicity. Based on the available information, this variant is classified as pathogenic.